The following is an entry in ClinVar:

NM_019885.4(CYP26B1):c.1208C>T (p.Ala403Val)

Gene: CYP26B1 (cytochrome P450 family 26 subfamily B member 1; minus strand). Cytogenetic location: 2p13.2.
Variant type: single nucleotide variant.
Coding change: c.1208C>T on transcript NM_019885.4 (MANE Select); coding-DNA position 1208, C replaced by T.
Protein change: p.Ala403Val; replaces alanine 403 with valine.
Molecular consequence: missense variant.
Genome position (GRCh38, 1-based): chr2:72,132,558, G>A on the plus strand (C>T on the coding strand, the complement: CYP26B1 is on the minus strand). VCF-style: chr2-72132558-G-A. GRCh37 (hg19) VCF-style: chr2-72359687-G-A.
Other names: c.983C>T, p.Ala328Val (NM_001277742.2); c.1208C>T (NM_019885.3); short protein forms A403V, A328V.
Identifiers: ClinVar variation 1380344 (VCV001380344.8), dbSNP rs1309087026, ClinGen allele CA347222405.

ClinVar aggregate classification (germline): Conflicting classifications of pathogenicity. Review status: criteria provided, conflicting classifications (1 of 4 stars). 3 submissions from 3 submitters: Pathogenic (1); Uncertain significance (2). Last evaluated 2026-03-16.

Conditions:
Lethal occipital encephalocele-skeletal dysplasia syndrome. Identifiers: Orphanet 293925, MedGen C3280729, MONDO:0013740, OMIM 614416.

Submissions (3):

Stanford Starfish Project, Stanford University
Classification: Pathogenic for Lethal occipital encephalocele-skeletal dysplasia syndrome. Last evaluated: 2026-03-16. Review status: criteria provided, single submitter. Criteria: ACMG Guidelines, 2015. Collection method: provider interpretation. Allele origin: biparental. Inheritance: Autosomal recessive inheritance. Affected: yes. Observed: 1 variant allele, 1 homozygote.
Comment: This variant is predicted to result in the substitution of alanine by valine at amino acid 403 (p.Ala403Val). This variant is rare in large population databases with an allele frequency of 0.0004248% in European populations. In silico analysis supports that this missense variant has a deleterious effect on the protein. See Observation 1 for details on clinical features.

Labcorp Genetics (formerly Invitae), Labcorp
Classification: Uncertain significance. Last evaluated: 2024-10-07. Review status: criteria provided, single submitter. Criteria: Invitae Variant Classification Sherloc (09022015). Collection method: clinical testing. Allele origin: germline.
Comment: This sequence change replaces alanine, which is neutral and non-polar, with valine, which is neutral and non-polar, at codon 403 of the CYP26B1 protein (p.Ala403Val). This variant is not present in population databases (gnomAD no frequency). This variant has not been reported in the literature in individuals affected with CYP26B1-related conditions. ClinVar contains an entry for this variant (Variation ID: 1380344). An algorithm developed to predict the effect of missense changes on protein structure and function (PolyPhen-2) suggests that this variant is likely to be disruptive. In summary, the available evidence is currently insufficient to determine the role of this variant in disease. Therefore, it has been classified as a Variant of Uncertain Significance.

GeneDx
Classification: Uncertain significance. Last evaluated: 2024-01-23. Review status: criteria provided, single submitter. Criteria: GeneDx Variant Classification Process June 2021. Collection method: clinical testing. Allele origin: germline. Affected: yes.
Comment: Not observed at significant frequency in large population cohorts (gnomAD); In silico analysis supports that this missense variant has a deleterious effect on protein structure/function; Has not been previously published as pathogenic or benign to our knowledge